The following is an entry in ClinVar:

ClinVar aggregate classification (germline): Uncertain significance (1 of 4 stars; one submission).

Conditions:
Noonan syndrome 9 (NS9). Identifiers: Orphanet 648, MedGen C4225282, MONDO:0014691, OMIM 616559.

Allele frequency attached by ClinVar (database versions not stated): gnomAD exomes below 0.00001.
gnomAD v4.1: 2 of 1,613,888 alleles (0.00012%); highest among the groups gnomAD compares: South Asian, 0.0011%; no homozygotes.

Submission:

Labcorp Genetics (formerly Invitae), Labcorp
Classification: Uncertain significance for Noonan syndrome 9. Last evaluated: 2024-02-26. Review status: criteria provided, single submitter. Criteria: Invitae Variant Classification Sherloc (09022015). Collection method: clinical testing. Allele origin: germline.
Comment: This sequence change replaces serine, which is neutral and polar, with phenylalanine, which is neutral and non-polar, at codon 1267 of the SOS2 protein (p.Ser1267Phe). This variant is not present in population databases (gnomAD no frequency). This variant has not been reported in the literature in individuals affected with SOS2-related conditions. Advanced modeling of protein sequence and biophysical properties (such as structural, functional, and spatial information, amino acid conservation, physicochemical variation, residue mobility, and thermodynamic stability) performed at Invitae indicates that this missense variant is expected to disrupt SOS2 protein function with a positive predictive value of 80%. In summary, the available evidence is currently insufficient to determine the role of this variant in disease. Therefore, it has been classified as a Variant of Uncertain Significance.

NM_006939.4(SOS2):c.3800C>T (p.Ser1267Phe)

Gene: SOS2 (SOS Ras/Rho guanine nucleotide exchange factor 2; minus strand). Cytogenetic location: 14q21.3.
Variant type: single nucleotide variant.
Coding change: c.3800C>T on transcript NM_006939.4 (MANE Select); coding-DNA position 3800, C replaced by T.
Protein change: p.Ser1267Phe; replaces serine 1267 with phenylalanine.
Molecular consequence: missense variant.
Genome position (GRCh38, 1-based): chr14:50,118,543, G>A on the plus strand (C>T on the coding strand, the complement: SOS2 is on the minus strand). VCF-style: chr14-50118543-G-A. GRCh37 (hg19) VCF-style: chr14-50585261-G-A.
Other names: c.3701C>T, p.Ser1234Phe (NM_001411020.1); short protein forms S1267F, S1234F.
Identifiers: ClinVar variation 2962548 (VCV002962548.3), dbSNP rs2502755834, ClinGen allele CA389637686.